The following is an entry in ClinVar:

NM_024675.4(PALB2):c.913G>A (p.Val305Ile)

Gene: PALB2 (partner and localizer of BRCA2; minus strand). Cytogenetic location: 16p12.2.
Variant type: single nucleotide variant.
Coding change: c.913G>A on transcript NM_024675.4 (MANE Select); coding-DNA position 913, G replaced by A.
Protein change: p.Val305Ile; replaces valine 305 with isoleucine.
Molecular consequence: missense variant. On other transcripts: intron variant (3).
Genome position (GRCh38, 1-based): chr16:23,635,633, C>T on the plus strand (G>A on the coding strand, the complement: PALB2 is on the minus strand). VCF-style: chr16-23635633-C-T. GRCh37 (hg19) VCF-style: chr16-23646954-C-T.
Other names: c.853G>A, p.Val285Ile (NM_001407296.1); c.913G>A, p.Val305Ile (NM_001407297.1, NM_001407298.1, NM_001407299.1 and 3 more transcripts); c.28G>A, p.Val10Ile (NM_001407304.1, NM_001407305.1, NM_001407306.1 and 5 more transcripts); c.48+5477G>A (NM_001407314.1); c.-104-5164G>A (NM_001407313.1, NM_001407312.1); short protein forms V285I, V10I, V305I.
Identifiers: ClinVar variation 2751210 (VCV002751210.3), dbSNP rs2142431165, ClinGen allele CA395135435.

ClinVar aggregate classification (germline): Uncertain significance (1 of 4 stars; one submission).

Conditions:
Familial cancer of breast. Also called: BREAST CANCER, FAMILIAL; hereditary breast carcinoma; Hereditary breast cancer. Identifiers: Orphanet 227535, MedGen C0346153, MONDO:0016419, OMIM 114480. Disease mechanism: loss of function.

Submission:

Labcorp Genetics (formerly Invitae), Labcorp
Classification: Uncertain significance for Familial cancer of breast. Last evaluated: 2023-08-08. Review status: criteria provided, single submitter. Criteria: Invitae Variant Classification Sherloc (09022015). Collection method: clinical testing. Allele origin: germline.
Comment: This sequence change replaces valine, which is neutral and non-polar, with isoleucine, which is neutral and non-polar, at codon 305 of the PALB2 protein (p.Val305Ile). This variant is not present in population databases (gnomAD no frequency). This variant has not been reported in the literature in individuals affected with PALB2-related conditions. Advanced modeling of protein sequence and biophysical properties (such as structural, functional, and spatial information, amino acid conservation, physicochemical variation, residue mobility, and thermodynamic stability) performed at Invitae indicates that this missense variant is not expected to disrupt PALB2 protein function. In summary, the available evidence is currently insufficient to determine the role of this variant in disease. Therefore, it has been classified as a Variant of Uncertain Significance.